The following is an entry in ClinVar:

NM_001048174.2(MUTYH):c.114T>C (p.Asp38=)

Gene: MUTYH (mutY DNA glycosylase; minus strand). Cytogenetic location: 1p34.1.
Variant type: single nucleotide variant.
Coding change: c.114T>C on transcript NM_001048174.2 (MANE Select); coding-DNA position 114, T replaced by C.
Protein change: p.Asp38=; no amino-acid change (aspartic acid 38 retained).
Molecular consequence: synonymous variant. On other transcripts: 5 prime UTR variant (7), non-coding transcript variant (7).
Genome position (GRCh38, 1-based): chr1:45,334,392, A>G on the plus strand (T>C on the coding strand, the complement: MUTYH is on the minus strand). VCF-style: chr1-45334392-A-G. GRCh37 (hg19) VCF-style: chr1-45800064-A-G.
Other names: c.114T>C, p.Asp38= (NM_001048171.2, NM_001048172.2, NM_001048173.2 and 15 more transcripts); c.156T>C, p.Asp52= (NM_001128425.2, NM_001293190.2, NM_001407069.1 and 2 more transcripts); c.-99T>C (NM_001293192.2, NM_001293196.2, NM_001407091.1); c.-158T>C (NM_001350650.2); c.-94T>C (NM_001350651.2, NM_001407082.1); c.-43T>C (NM_001407075.1); c.132T>C, p.Asp44= (NM_001407087.1).
Identifiers: ClinVar variation 2107692 (VCV002107692.4), dbSNP rs2524349927, ClinGen allele CA417702228.

ClinVar aggregate classification (germline): Uncertain significance (1 of 4 stars; one submission).

Conditions:
Familial adenomatous polyposis 2. Also called: MUTYH Polyposis; COLORECTAL ADENOMATOUS POLYPOSIS, AUTOSOMAL RECESSIVE; ADENOMAS, MULTIPLE COLORECTAL, AUTOSOMAL RECESSIVE; MUTYH-associated polyposis; MYH-associated polyposis; MUTYH-related attenuated familial adenomatous polyposis. Identifiers: Orphanet 220460, Orphanet 247798, MedGen C3272841, MONDO:0012041, OMIM 608456.

Submission:

Labcorp Genetics (formerly Invitae), Labcorp
Classification: Uncertain significance for Familial adenomatous polyposis 2. Last evaluated: 2022-03-08. Review status: criteria provided, single submitter. Criteria: Invitae Variant Classification Sherloc (09022015). Collection method: clinical testing. Allele origin: germline.
Comment: In summary, the available evidence is currently insufficient to determine the role of this variant in disease. Therefore, it has been classified as a Variant of Uncertain Significance. Algorithms developed to predict the effect of sequence changes on RNA splicing suggest that this variant is not likely to affect RNA splicing. This variant has not been reported in the literature in individuals affected with MUTYH-related conditions. This variant is not present in population databases (gnomAD no frequency). This sequence change affects codon 52 of the MUTYH mRNA. It is a 'silent' change, meaning that it does not change the encoded amino acid sequence of the MUTYH protein. It affects a nucleotide within the consensus splice site.